The following is an entry in ClinVar:

ClinVar aggregate classification (germline): Uncertain significance. Review status: criteria provided, multiple submitters, no conflicts (2 of 4 stars). 2 submissions from 2 submitters: Uncertain significance (2). Last evaluated 2023-10-20.

Conditions:
Inborn genetic diseases. Identifiers: MedGen C0950123, MeSH D030342.

Allele frequency attached by ClinVar (database versions not stated): gnomAD 0.00001; gnomAD exomes 0.00001; TOPMed 0.00001; ExAC 0.00002.
gnomAD v4.1: 11 of 1,614,020 alleles (0.00068%); highest among the groups gnomAD compares: East Asian, 0.02%; no homozygotes.

Submissions (2):

Ambry Genetics
Classification: Uncertain significance for Inborn genetic diseases. Last evaluated: 2023-10-20. Review status: criteria provided, single submitter. Criteria: Ambry Variant Classification Scheme 2023. Collection method: clinical testing. Allele origin: germline.

Labcorp Genetics (formerly Invitae), Labcorp
Classification: Uncertain significance. Last evaluated: 2023-07-03. Review status: criteria provided, single submitter. Criteria: Invitae Variant Classification Sherloc (09022015). Collection method: clinical testing. Allele origin: germline.
Comment: This sequence change replaces methionine, which is neutral and non-polar, with valine, which is neutral and non-polar, at codon 289 of the PDSS2 protein (p.Met289Val). In summary, the available evidence is currently insufficient to determine the role of this variant in disease. Therefore, it has been classified as a Variant of Uncertain Significance. Advanced modeling of protein sequence and biophysical properties (such as structural, functional, and spatial information, amino acid conservation, physicochemical variation, residue mobility, and thermodynamic stability) performed at Invitae indicates that this missense variant is not expected to disrupt PDSS2 protein function. ClinVar contains an entry for this variant (Variation ID: 1910873). This variant has not been reported in the literature in individuals affected with PDSS2-related conditions. This variant is present in population databases (rs751931690, gnomAD 0.03%).

NM_020381.4(PDSS2):c.865A>G (p.Met289Val)

Gene: PDSS2 (decaprenyl diphosphate synthase subunit 2; minus strand). Cytogenetic location: 6q21.
Variant type: single nucleotide variant.
Coding change: c.865A>G on transcript NM_020381.4 (MANE Select); coding-DNA position 865, A replaced by G.
Protein change: p.Met289Val; replaces methionine 289 with valine.
Molecular consequence: missense variant.
Genome position (GRCh38, 1-based): chr6:107,212,120, T>C on the plus strand (A>G on the coding strand, the complement: PDSS2 is on the minus strand). VCF-style: chr6-107212120-T-C. GRCh37 (hg19) VCF-style: chr6-107533324-T-C.
Other names: c.865A>G (NM_020381.3); short protein forms M289V.
Identifiers: ClinVar variation 1910873 (VCV001910873.6), dbSNP rs751931690, ClinGen allele CA3946000.